The following is an entry in ClinVar:

NM_001394998.1(TANC2):c.4346T>C (p.Leu1449Pro)

Gene: TANC2 (tetratricopeptide repeat, ankyrin repeat and coiled-coil containing 2; plus strand). Cytogenetic location: 17q23.3.
Variant type: single nucleotide variant.
Coding change: c.4346T>C on transcript NM_001394998.1 (MANE Select); coding-DNA position 4346, T replaced by C.
Protein change: p.Leu1449Pro; replaces leucine 1449 with proline.
Molecular consequence: missense variant.
Genome position (GRCh38, 1-based): chr17:63,420,076, T>C. VCF-style: chr17-63420076-T-C. GRCh37 (hg19) VCF-style: chr17-61497437-T-C.
Other names: c.4124T>C, p.Leu1375Pro (NM_001411076.1); c.4094T>C, p.Leu1365Pro (NM_025185.4); short protein forms L1365P, L1375P, L1449P.
Identifiers: ClinVar variation 4074476 (VCV004074476.1).

ClinVar aggregate classification (germline): Uncertain significance (1 of 4 stars; one submission).

Submission:

GeneDx
Classification: Uncertain significance. Last evaluated: 2025-02-05. Review status: criteria provided, single submitter. Criteria: GeneDx Variant Classification Process June 2021. Collection method: clinical testing. Allele origin: germline. Affected: yes.
Comment: Not observed at significant frequency in large population cohorts (gnomAD); In silico analysis supports that this missense variant has a deleterious effect on protein structure/function; Has not been previously published as pathogenic or benign to our knowledge